The following is an entry in ClinVar:

NM_007186.6(CEP250):c.5248G>A (p.Glu1750Lys)

Gene: CEP250 (centrosomal protein 250; plus strand). Cytogenetic location: 20q11.22.
Variant type: single nucleotide variant.
Coding change: c.5248G>A on transcript NM_007186.6 (MANE Select); coding-DNA position 5248, G replaced by A.
Protein change: p.Glu1750Lys; replaces glutamic acid 1750 with lysine.
Molecular consequence: missense variant.
Genome position (GRCh38, 1-based): chr20:35,503,617, G>A. VCF-style: chr20-35503617-G-A. GRCh37 (hg19) VCF-style: chr20-34091445-G-A.
Other names: c.3352G>A, p.Glu1118Lys (NM_001318219.1); short protein forms E1118K, E1750K.
Identifiers: ClinVar variation 1450240 (VCV001450240.8), dbSNP rs377467825, ClinGen allele CA408750898.

ClinVar aggregate classification (germline): Uncertain significance (1 of 4 stars; one submission).

Submission:

Labcorp Genetics (formerly Invitae), Labcorp
Classification: Uncertain significance. Last evaluated: 2021-06-24. Review status: criteria provided, single submitter. Criteria: Invitae Variant Classification Sherloc (09022015). Collection method: clinical testing. Allele origin: germline.
Comment: In summary, the available evidence is currently insufficient to determine the role of this variant in disease. Therefore, it has been classified as a Variant of Uncertain Significance. This sequence change replaces glutamic acid with lysine at codon 1750 of the CEP250 protein (p.Glu1750Lys). The glutamic acid residue is highly conserved and there is a small physicochemical difference between glutamic acid and lysine. This variant is not present in population databases (ExAC no frequency). This variant has not been reported in the literature in individuals with CEP250-related conditions. Algorithms developed to predict the effect of missense changes on protein structure and function are either unavailable or do not agree on the potential impact of this missense change (SIFT: "Not Available"; PolyPhen-2: "Benign"; Align-GVGD: "Not Available").